The following is an entry in ClinVar:

NM_000079.4(CHRNA1):c.379A>T (p.Lys127Ter)

Gene: CHRNA1 (cholinergic receptor nicotinic alpha 1 subunit; minus strand). Cytogenetic location: 2q31.1.
Variant type: single nucleotide variant.
Coding change: c.379A>T on transcript NM_000079.4 (MANE Select); coding-DNA position 379, A replaced by T.
Protein change: p.Lys127Ter; replaces lysine 127 with a stop codon.
Molecular consequence: nonsense.
Genome position (GRCh38, 1-based): chr2:174,754,380, T>A on the plus strand (A>T on the coding strand, the complement: CHRNA1 is on the minus strand). VCF-style: chr2-174754380-T-A. GRCh37 (hg19) VCF-style: chr2-175619108-T-A.
Other names: c.454A>T, p.Lys152Ter (NM_001039523.3); short protein forms K127*, K152*.
Identifiers: ClinVar variation 3639584 (VCV003639584.2).

ClinVar aggregate classification (germline): Pathogenic (1 of 4 stars; one submission).

Conditions:
Lethal multiple pterygium syndrome (LMPS). Identifiers: Orphanet 33108, MedGen C1854678, MONDO:0009668, OMIM 253290.

Submission:

Labcorp Genetics (formerly Invitae), Labcorp
Classification: Pathogenic for Lethal multiple pterygium syndrome. Last evaluated: 2024-02-07. Review status: criteria provided, single submitter. Criteria: Invitae Variant Classification Sherloc (09022015). Collection method: clinical testing. Allele origin: germline.
Comment: This sequence change creates a premature translational stop signal (p.Lys127*) in the CHRNA1 gene. It is expected to result in an absent or disrupted protein product. Loss-of-function variants in CHRNA1 are known to be pathogenic (PMID: 14719537, 15907919, 18252226). This variant is not present in population databases (gnomAD no frequency). This variant has not been reported in the literature in individuals affected with CHRNA1-related conditions. For these reasons, this variant has been classified as Pathogenic.

Literature cited by the submitters: PubMed 14719537; PubMed 15907919; PubMed 18252226.